The following is an entry in ClinVar:

ClinVar aggregate classification (germline): Uncertain significance. Review status: criteria provided, multiple submitters, no conflicts (2 of 4 stars). 2 submissions from 2 submitters: Uncertain significance (2). Last evaluated 2020-08-03.

Conditions:
Hereditary cancer-predisposing syndrome. Also called: Hereditary Cancer Syndrome; Tumor predisposition; Hereditary neoplastic syndrome; Neoplastic Syndromes, Hereditary. Identifiers: Orphanet 140162, MedGen C0027672, MeSH D009386, MONDO:0015356.
Fanconi anemia complementation group J. Also called: BRIP1-Related Fanconi Anemia. Identifiers: Orphanet 84, MedGen C1836860, MONDO:0012187, OMIM 609054.
Familial cancer of breast. Also called: hereditary breast carcinoma; Hereditary breast cancer; BREAST CANCER, FAMILIAL. Identifiers: Orphanet 227535, MedGen C0346153, MONDO:0016419, OMIM 114480. Disease mechanism: loss of function.

Submissions (2):

Color Diagnostics, LLC DBA Color Health
Classification: Uncertain significance for Hereditary cancer-predisposing syndrome. Last evaluated: 2020-08-03. Review status: criteria provided, single submitter. Criteria: ACMG Guidelines, 2015. Collection method: clinical testing. Allele origin: germline.
Comment: This missense variant replaces isoleucine with serine at codon 398 of the BRIP1 protein. Computational prediction suggests that this variant may have deleterious impact on protein structure and function (internally defined REVEL score threshold >= 0.7, PMID: 27666373). To our knowledge, functional studies have not been reported for this variant. This variant has not been reported in individuals affected with hereditary cancer in the literature. This variant has not been identified in the general population by the Genome Aggregation Database (gnomAD). The available evidence is insufficient to determine the role of this variant in disease conclusively. Therefore, this variant is classified as a Variant of Uncertain Significance.

Labcorp Genetics (formerly Invitae), Labcorp
Classification: Uncertain significance for Familial cancer of breast; Fanconi anemia complementation group J. Last evaluated: 2020-06-24. Review status: criteria provided, single submitter. Criteria: Invitae Variant Classification Sherloc (09022015). Collection method: clinical testing. Allele origin: germline.
Comment: In summary, the available evidence is currently insufficient to determine the role of this variant in disease. Therefore, it has been classified as a Variant of Uncertain Significance. Algorithms developed to predict the effect of missense changes on protein structure and function (SIFT, PolyPhen-2, Align-GVGD) all suggest that this variant is likely to be disruptive, but these predictions have not been confirmed by published functional studies and their clinical significance is uncertain. This variant has not been reported in the literature in individuals with BRIP1-related conditions. This variant is not present in population databases (ExAC no frequency). This sequence change replaces isoleucine with serine at codon 398 of the BRIP1 protein (p.Ile398Ser). The isoleucine residue is highly conserved and there is a large physicochemical difference between isoleucine and serine.

NM_032043.3(BRIP1):c.1193T>G (p.Ile398Ser)

Gene: BRIP1 (BRCA1 interacting DNA helicase 1; minus strand). Cytogenetic location: 17q23.2.
Variant type: single nucleotide variant.
Coding change: c.1193T>G on transcript NM_032043.3 (MANE Select); coding-DNA position 1193, T replaced by G.
Protein change: p.Ile398Ser; replaces isoleucine 398 with serine.
Molecular consequence: missense variant.
Genome position (GRCh38, 1-based): chr17:61,799,247, A>C on the plus strand (T>G on the coding strand, the complement: BRIP1 is on the minus strand). VCF-style: chr17-61799247-A-C. GRCh37 (hg19) VCF-style: chr17-59876608-A-C.
Other names: short protein forms I398S.
Identifiers: ClinVar variation 1054688 (VCV001054688.12), dbSNP rs2145307952, ClinGen allele CA400483719.